The following is an entry in ClinVar:

NM_006531.5(IFT88):c.91G>A (p.Glu31Lys)

Gene: IFT88 (intraflagellar transport 88; plus strand). Cytogenetic location: 13q12.11.
Variant type: single nucleotide variant.
Coding change: c.91G>A on transcript NM_006531.5 (MANE Select); coding-DNA position 91, G replaced by A.
Protein change: p.Glu31Lys; replaces glutamic acid 31 with lysine.
Molecular consequence: missense variant. On other transcripts: 5 prime UTR variant (1), non-coding transcript variant (5).
Genome position (GRCh38, 1-based): chr13:20,582,957, G>A. VCF-style: chr13-20582957-G-A. GRCh37 (hg19) VCF-style: chr13-21157096-G-A.
Other names: c.91G>A, p.Glu31Lys (NM_001318491.2, NM_001353568.2, NM_001353571.2 and 5 more transcripts); c.118G>A, p.Glu40Lys (NM_001318493.2, NM_001353565.2, NM_001353566.2 and 6 more transcripts); c.-473G>A (NM_001353579.2); short protein forms E31K, E40K.
Identifiers: ClinVar variation 2069573 (VCV002069573.4), dbSNP rs773946920, ClinGen allele CA387471228.

ClinVar aggregate classification (germline): Uncertain significance (1 of 4 stars; one submission).

Submission:

Labcorp Genetics (formerly Invitae), Labcorp
Classification: Uncertain significance. Last evaluated: 2022-01-02. Review status: criteria provided, single submitter. Criteria: Invitae Variant Classification Sherloc (09022015). Collection method: clinical testing. Allele origin: germline.
Comment: This sequence change replaces glutamic acid, which is acidic and polar, with lysine, which is basic and polar, at codon 40 of the IFT88 protein (p.Glu40Lys). In summary, the available evidence is currently insufficient to determine the role of this variant in disease. Therefore, it has been classified as a Variant of Uncertain Significance. Algorithms developed to predict the effect of missense changes on protein structure and function are either unavailable or do not agree on the potential impact of this missense change (SIFT: "Not Available"; PolyPhen-2: "Benign"; Align-GVGD: "Not Available"). This variant has not been reported in the literature in individuals affected with IFT88-related conditions. This variant is not present in population databases (gnomAD no frequency).